The following is an entry in ClinVar:

NM_004369.4(COL6A3):c.6210+172T>C

Gene: COL6A3 (collagen type VI alpha 3 chain; minus strand). Cytogenetic location: 2q37.3.
Variant type: single nucleotide variant.
Coding change: c.6210+172T>C on transcript NM_004369.4 (MANE Select); 172 bases into the intron after coding-DNA position 6210, T replaced by C.
Molecular consequence: intron variant.
Genome position (GRCh38, 1-based): chr2:237,360,949, A>G on the plus strand (T>C on the coding strand, the complement: COL6A3 is on the minus strand). VCF-style: chr2-237360949-A-G. GRCh37 (hg19) VCF-style: chr2-238269592-A-G.
Other names: c.4389+172T>C (NM_057166.5); c.5592+172T>C (NM_057167.4).
Identifiers: ClinVar variation 679021 (VCV000679021.2), dbSNP rs73998890, ClinGen allele CA11284095.

ClinVar aggregate classification (germline): Benign. Review status: criteria provided, multiple submitters, no conflicts (2 of 4 stars). 2 submissions from 2 submitters: Benign (2). Last evaluated 2018-06-16.

Allele frequency attached by ClinVar (database versions not stated): gnomAD 0.04289 and 0.04560; 1000 Genomes Project 0.04812; TOPMed 0.04869; 1000 Genomes Project 30x 0.05122.
gnomAD v4.1: 6,478 of 152,280 alleles (4.3%); highest among the groups gnomAD compares: African/African-American, 14%; 404 homozygotes.

Submissions (2):

GeneDx
Classification: Benign. Last evaluated: 2018-06-16. Review status: criteria provided, single submitter. Criteria: GeneDx Variant Classification (06012015). Collection method: clinical testing. Allele origin: germline. Affected: yes.
Comment: This variant is considered likely benign or benign based on one or more of the following criteria: it is a conservative change, it occurs at a poorly conserved position in the protein, it is predicted to be benign by multiple in silico algorithms, and/or has population frequency not consistent with disease.

Breakthrough Genomics
Classification: Benign. Review status: criteria provided, single submitter. Criteria: ACMG Guidelines, 2015. Collection method: not provided. Allele origin: germline. Inheritance: Autosomal recessive inheritance. Affected: yes.